The following is an entry in ClinVar:

NM_004999.4(MYO6):c.2222C>A (p.Ala741Asp)

Gene: MYO6 (myosin VI; plus strand). Cytogenetic location: 6q14.1.
Variant type: single nucleotide variant.
Coding change: c.2222C>A on transcript NM_004999.4 (MANE Select); coding-DNA position 2222, C replaced by A.
Protein change: p.Ala741Asp; replaces alanine 741 with aspartic acid.
Molecular consequence: missense variant. On other transcripts: non-coding transcript variant (1).
Genome position (GRCh38, 1-based): chr6:75,880,056, C>A. VCF-style: chr6-75880056-C-A. GRCh37 (hg19) VCF-style: chr6-76589773-C-A.
Other names: c.2222C>A, p.Ala741Asp (NM_001300899.2, NM_001368136.1, NM_001368137.1 and 2 more transcripts); c.2207C>A, p.Ala736Asp (NM_001368138.1); short protein forms A736D, A741D.
Identifiers: ClinVar variation 4857377 (VCV004857377.1).

ClinVar aggregate classification (germline): Uncertain significance (1 of 4 stars; one submission).

Conditions:
Autosomal dominant nonsyndromic hearing loss 22. Also called: Autosomal dominant nonsyndromic deafness 22; DFNA 22. Identifiers: Orphanet 228012, MedGen C2931767, MONDO:0011660, OMIM 606346.

Submission:

Precision Medicine Center, Zhengzhou University
Classification: Uncertain significance for Autosomal dominant nonsyndromic hearing loss 22. Last evaluated: 2006-06-30. Review status: criteria provided, single submitter. Criteria: ClinGen HL ACMG Specifications v1. Collection method: clinical testing. Allele origin: maternal. Affected: yes.
Comment: PM2+PP3:The MYO6 c.2222C>A variant is absent or extremely rare in population databases, including gnomAD, supporting its rarity in the general population (PM2). Multiple in silico prediction algorithms consistently indicate that this sequence change is deleterious to protein function (PP3). However, no functional studies, segregation data, de novo occurrence, or enrichment in affected individuals have been reported to support a pathogenic role for this variant. Based on the ACMG/AMP guidelines, this variant meets the criteria PM2 and PP3 and is therefore classified as a Variant of Uncertain Significance (VUS).